The following is an entry in ClinVar:

NM_001001557.4(GDF6):c.556G>C (p.Val186Leu)

Gene: GDF6 (growth differentiation factor 6; minus strand). Cytogenetic location: 8q22.1.
Variant type: single nucleotide variant.
Coding change: c.556G>C on transcript NM_001001557.4 (MANE Select); coding-DNA position 556, G replaced by C.
Protein change: p.Val186Leu; replaces valine 186 with leucine.
Molecular consequence: missense variant.
Genome position (GRCh38, 1-based): chr8:96,145,375, C>G on the plus strand (G>C on the coding strand, the complement: GDF6 is on the minus strand). VCF-style: chr8-96145375-C-G. GRCh37 (hg19) VCF-style: chr8-97157603-C-G.
Other names: c.556G>C (NM_001001557.2); short protein forms V186L.
Identifiers: ClinVar variation 3748234 (VCV003748234.3).

ClinVar aggregate classification (germline): Uncertain significance. Review status: criteria provided, multiple submitters, no conflicts (2 of 4 stars). 2 submissions from 2 submitters: Uncertain significance (2). Last evaluated 2025-10-22.

Conditions:
Inborn genetic diseases. Identifiers: MedGen C0950123, MeSH D030342.
Leber congenital amaurosis 17 (LCA17). Identifiers: Orphanet 65, MedGen C3715164, MONDO:0014145, OMIM 615360.
Microphthalmia, isolated, with coloboma 6 (MCOPCB6). Also called: Microphthalmia with coloboma 6, digenic; Microphthalmia with coloboma 6; MICROPHTHALMIA/COLOBOMA 6. Identifiers: Orphanet 98938, MedGen C3150968, MONDO:0013376, OMIM 613703.
Klippel-Feil syndrome 1, autosomal dominant (KFS1). Also called: CERVICAL VERTEBRAL FUSION, AUTOSOMAL DOMINANT. Identifiers: Orphanet 2345, MedGen C1861689, MONDO:0007306, OMIM 118100.
Isolated microphthalmia 4. Identifiers: Orphanet 2542, MedGen C2751307, MONDO:0013130, OMIM 613094.

gnomAD v4.1: 14 of 1,567,768 alleles (0.00089%); highest among the groups gnomAD compares: Middle Eastern, 0.017%; no homozygotes.

Submissions (2):

Ambry Genetics
Classification: Uncertain significance for Inborn genetic diseases. Last evaluated: 2025-10-22. Review status: criteria provided, single submitter. Criteria: Ambry Variant Classification Scheme 2023. Collection method: clinical testing. Allele origin: germline.

Labcorp Genetics (formerly Invitae), Labcorp
Classification: Uncertain significance for Isolated microphthalmia 4; Leber congenital amaurosis 17; Klippel-Feil syndrome 1, autosomal dominant; Microphthalmia, isolated, with coloboma 6. Last evaluated: 2025-08-06. Review status: criteria provided, single submitter. Criteria: Invitae Variant Classification Sherloc (09022015). Collection method: clinical testing. Allele origin: germline.
Comment: This sequence change replaces valine, which is neutral and non-polar, with leucine, which is neutral and non-polar, at codon 186 of the GDF6 protein (p.Val186Leu). This variant is present in population databases (rs765908995, gnomAD 0.004%). This variant has not been reported in the literature in individuals affected with GDF6-related conditions. ClinVar contains an entry for this variant (Variation ID: 3748234). Invitae Evidence Modeling of protein sequence and biophysical properties (such as structural, functional, and spatial information, amino acid conservation, physicochemical variation, residue mobility, and thermodynamic stability) indicates that this missense variant is not expected to disrupt GDF6 protein function with a negative predictive value of 80%. In summary, the available evidence is currently insufficient to determine the role of this variant in disease. Therefore, it has been classified as a Variant of Uncertain Significance.